The following is an entry in ClinVar:

NM_004104.5(FASN):c.2920A>G (p.Ser974Gly)

Gene: FASN (fatty acid synthase; minus strand). Cytogenetic location: 17q25.3.
Variant type: single nucleotide variant.
Coding change: c.2920A>G on transcript NM_004104.5 (MANE Select); coding-DNA position 2920, A replaced by G.
Protein change: p.Ser974Gly; replaces serine 974 with glycine.
Molecular consequence: missense variant.
Genome position (GRCh38, 1-based): chr17:82,087,808, T>C on the plus strand (A>G on the coding strand, the complement: FASN is on the minus strand). VCF-style: chr17-82087808-T-C. GRCh37 (hg19) VCF-style: chr17-80045684-T-C.
Other names: short protein forms S974G.
Identifiers: ClinVar variation 1385030 (VCV001385030.6), dbSNP rs147846950, ClinGen allele CA295133385.
Genomic context (GRCh38, chr17:82,087,808, plus strand): 5'-GCTCCTTGTAAACTTCAGCCTGGGCCAGGAAGAGGGGCTCCGTGGGGTTGGGGGTGGGGC[T>C]TTCCGGGTGGTCGAAGAGCCTGGGGTCAGGGTCATCCCACTGGTACACCTTCCCTGTGGA-3'
Protein context (NP_004095.4, residues 964-984): PDPRLFDHPE[Ser974Gly]PTPNPTEPLF

ClinVar aggregate classification (germline): Uncertain significance (1 of 4 stars; one submission).

Conditions:
Epileptic encephalopathy. Identifiers: MedGen C0543888, HP:0200134.

Allele frequency attached by ClinVar (database versions not stated): gnomAD exomes below 0.00001; gnomAD 0.00001; TOPMed 0.00001; ESP Exome Variant Server 0.00008.

Submission:

Labcorp Genetics (formerly Invitae), Labcorp
Classification: Uncertain significance for Epileptic encephalopathy. Last evaluated: 2023-02-28. Review status: criteria provided, single submitter. Criteria: Invitae Variant Classification Sherloc (09022015). Collection method: clinical testing. Allele origin: germline.
Comment: In summary, the available evidence is currently insufficient to determine the role of this variant in disease. Therefore, it has been classified as a Variant of Uncertain Significance. Algorithms developed to predict the effect of missense changes on protein structure and function output the following: SIFT: "Not Available"; PolyPhen-2: "Benign"; Align-GVGD: "Not Available". The glycine amino acid residue is found in multiple mammalian species, which suggests that this missense change does not adversely affect protein function. ClinVar contains an entry for this variant (Variation ID: 1385030). This variant has not been reported in the literature in individuals affected with FASN-related conditions. This variant is present in population databases (rs147846950, gnomAD 0.008%). This sequence change replaces serine, which is neutral and polar, with glycine, which is neutral and non-polar, at codon 974 of the FASN protein (p.Ser974Gly).